The following is an entry in ClinVar:

NM_001458.5(FLNC):c.1106G>T (p.Gly369Val)

Gene: FLNC (filamin C; plus strand). Cytogenetic location: 7q32.1.
Variant type: single nucleotide variant.
Coding change: c.1106G>T on transcript NM_001458.5 (MANE Select); coding-DNA position 1106, G replaced by T.
Protein change: p.Gly369Val; replaces glycine 369 with valine.
Molecular consequence: missense variant.
Genome position (GRCh38, 1-based): chr7:128,838,325, G>T. VCF-style: chr7-128838325-G-T. GRCh37 (hg19) VCF-style: chr7-128478379-G-T.
Other names: c.1106G>T, p.Gly369Val (NM_001127487.2); short protein forms G369V.
Identifiers: ClinVar variation 1919367 (VCV001919367.5), dbSNP rs754733061, ClinGen allele CA4474237.
Genomic context (GRCh38, chr7:128,838,325, plus strand): 5'-AGGTGACCGTGCTCTTTGCTGGCCAGAACATTGAACGCAGTCCCTTTGAGGTGAACGTGG[G>T]CATGGCCCTGGGAGATGCCAACAAGGTGTCAGCCCGTGGCCCTGGCCTGGAACCTGTGGG-3'
Protein context (NP_001449.3, residues 359-379): IERSPFEVNV[Gly369Val]MALGDANKVS

ClinVar aggregate classification (germline): Uncertain significance (1 of 4 stars; one submission).

Conditions:
Distal myopathy with posterior leg and anterior hand involvement. Also called: WILLIAMS DISTAL MYOPATHY. Identifiers: Orphanet 63273, MedGen C3279722, MONDO:0013550, OMIM 614065.
Hypertrophic cardiomyopathy 26. Also called: Cardiomyopathy, familial hypertrophic, 26. Identifiers: Orphanet 75249, MedGen C4310749, MONDO:0014883, OMIM 617047.
Myofibrillar myopathy 5. Also called: Filaminopathy (type); FILAMINOPATHY, AUTOSOMAL DOMINANT. Identifiers: Orphanet 171445, MedGen C1836050, MONDO:0012289, OMIM 609524.

Allele frequency attached by ClinVar (database versions not stated): TOPMed below 0.00001; ExAC 0.00001; gnomAD exomes 0.00001.
gnomAD v4.1: 3 of 1,614,046 alleles (0.00019%); highest among the groups gnomAD compares: Admixed American, 0.005%; no homozygotes.

Submission:

Labcorp Genetics (formerly Invitae), Labcorp
Classification: Uncertain significance for Distal myopathy with posterior leg and anterior hand involvement; Myofibrillar myopathy 5; Hypertrophic cardiomyopathy 26. Last evaluated: 2023-03-01. Review status: criteria provided, single submitter. Criteria: Invitae Variant Classification Sherloc (09022015). Collection method: clinical testing. Allele origin: germline.
Comment: In summary, the available evidence is currently insufficient to determine the role of this variant in disease. Therefore, it has been classified as a Variant of Uncertain Significance. Advanced modeling of protein sequence and biophysical properties (such as structural, functional, and spatial information, amino acid conservation, physicochemical variation, residue mobility, and thermodynamic stability) has been performed at Invitae for this missense variant, however the output from this modeling did not meet the statistical confidence thresholds required to predict the impact of this variant on FLNC protein function. ClinVar contains an entry for this variant (Variation ID: 1919367). This variant has not been reported in the literature in individuals affected with FLNC-related conditions. This variant is present in population databases (rs754733061, gnomAD 0.009%). This sequence change replaces glycine, which is neutral and non-polar, with valine, which is neutral and non-polar, at codon 369 of the FLNC protein (p.Gly369Val).